The following is an entry in ClinVar:

NM_001349338.3(FOXP1):c.421-9C>A

Gene: FOXP1 (forkhead box P1; minus strand). Cytogenetic location: 3p13.
Variant type: single nucleotide variant.
Coding change: c.421-9C>A on transcript NM_001349338.3 (MANE Select); 9 bases into the intron before coding-DNA position 421, C replaced by A.
Molecular consequence: intron variant.
Genome position (GRCh38, 1-based): chr3:71,052,635, G>T on the plus strand (C>A on the coding strand, the complement: FOXP1 is on the minus strand). VCF-style: chr3-71052635-G-T. GRCh37 (hg19) VCF-style: chr3-71101786-G-T.
Other names: c.421-9C>A (NM_001244810.2, NM_032682.6, NM_001349340.3 and 3 more transcripts); c.421-12C>A (NM_001349341.3); c.283-5540C>A (NM_001244812.3); c.121-12C>A (NM_001349343.3, NM_001349337.2, NM_001349344.3); c.121-9C>A (NM_001349342.3, NM_001370548.1, NM_001244815.2 and 1 more transcripts).
Identifiers: ClinVar variation 3345807 (VCV003345807.1).

ClinVar aggregate classification (germline): Likely benign (0 of 4 stars; one submission).

Conditions:
FOXP1-related disorder. Also called: FOXP1-related condition.

gnomAD v4.1: 2 of 1,078,404 alleles (0.00019%); highest among the groups gnomAD compares: Non-Finnish European, 0.00014%; no homozygotes.

Submission:

PreventionGenetics, part of Exact Sciences
Classification: Likely benign for FOXP1-related condition. Last evaluated: 2024-08-11. Review status: no assertion criteria provided. Collection method: clinical testing. Allele origin: germline.
Comment: This variant is classified as likely benign based on ACMG/AMP sequence variant interpretation guidelines (Richards et al. 2015 PMID: 25741868, with internal and published modifications).